The following is an entry in ClinVar:

ClinVar aggregate classification (germline): Uncertain significance. Review status: criteria provided, multiple submitters, no conflicts (2 of 4 stars). 3 submissions from 3 submitters: Uncertain significance (3). Last evaluated 2025-12-16.

Conditions:
DNAH9-related disorder. Also called: DNAH9-related condition.

Allele frequency attached by ClinVar (database versions not stated): gnomAD 0.00003; gnomAD exomes 0.00003; ExAC 0.00004; TOPMed 0.00004; 1000 Genomes Project 0.00020; 1000 Genomes Project 30x 0.00031.
gnomAD v4.1: 49 of 1,613,814 alleles (0.003%); highest among the groups gnomAD compares: Middle Eastern, 0.15%; no homozygotes.

Submissions (3):

Labcorp Genetics (formerly Invitae), Labcorp
Classification: Uncertain significance. Last evaluated: 2025-12-16. Review status: criteria provided, single submitter. Criteria: Invitae Variant Classification Sherloc (09022015). Collection method: clinical testing. Allele origin: germline.
Comment: This sequence change replaces arginine, which is basic and polar, with glutamine, which is neutral and polar, at codon 842 of the DNAH9 protein (p.Arg842Gln). This variant is present in population databases (rs556781332, gnomAD 0.02%). This variant has not been reported in the literature in individuals affected with DNAH9-related conditions. ClinVar contains an entry for this variant (Variation ID: 2634499). An algorithm developed to predict the effect of missense changes on protein structure and function outputs the following: PolyPhen-2: "Benign". The glutamine amino acid residue is found in multiple mammalian species, which suggests that this missense change does not adversely affect protein function. In summary, the available evidence is currently insufficient to determine the role of this variant in disease. Therefore, it has been classified as a Variant of Uncertain Significance.

CeGaT Center for Human Genetics Tuebingen
Classification: Uncertain significance. Last evaluated: 2023-05-01. Review status: criteria provided, single submitter. Criteria: CeGaT Center For Human Genetics Tuebingen Variant Classification Criteria Version 2. Collection method: clinical testing. Allele origin: germline. Affected: yes. Observed: 1 variant allele.
Comment: DNAH9: PM2, BP4

PreventionGenetics, part of Exact Sciences
Classification: Uncertain significance for DNAH9-related condition. Last evaluated: 2022-11-04. Review status: criteria provided, single submitter. Criteria: ACMG Guidelines, 2015. Collection method: clinical testing. Allele origin: germline.
Comment: The DNAH9 c.2525G>A variant is predicted to result in the amino acid substitution p.Arg842Gln. This variant was reported in the heterozygous state in an individual with primary ciliary dyskinesia; however, this individual also harbored a rare homozygous DNAI1 missense variant (Patient KT9 in Tables 2 and S2, Ye et al. 2022. PubMed ID: 35869935). This variant is reported in 0.016% of alleles in individuals of South Asian descent in gnomAD. At this time, the clinical significance of this variant is uncertain due to the absence of conclusive functional and genetic evidence.

NM_001372.4(DNAH9):c.2525G>A (p.Arg842Gln)

Gene: DNAH9 (dynein axonemal heavy chain 9; plus strand). Cytogenetic location: 17p12.
Variant type: single nucleotide variant.
Coding change: c.2525G>A on transcript NM_001372.4 (MANE Select); coding-DNA position 2525, G replaced by A.
Protein change: p.Arg842Gln; replaces arginine 842 with glutamine.
Molecular consequence: missense variant.
Genome position (GRCh38, 1-based): chr17:11,652,932, G>A. VCF-style: chr17-11652932-G-A. GRCh37 (hg19) VCF-style: chr17-11556249-G-A.
Other names: short protein forms R842Q.
Identifiers: ClinVar variation 2634499 (VCV002634499.25), dbSNP rs556781332, ClinGen allele CA8395193.